The following is an entry in ClinVar:

ClinVar aggregate classification (germline): Pathogenic (1 of 4 stars; one submission).

Conditions:
Kabuki syndrome. Also called: NIIKAWA-KUROKI SYNDROME; Kabuki make-up syndrome. Identifiers: Orphanet 2322, MedGen C0796004, MONDO:0016512.

Submission:

Labcorp Genetics (formerly Invitae), Labcorp
Classification: Pathogenic for Kabuki syndrome. Last evaluated: 2019-07-01. Review status: criteria provided, single submitter. Criteria: Invitae Variant Classification Sherloc (09022015). Collection method: clinical testing. Allele origin: germline.
Comment: For these reasons, this variant has been classified as Pathogenic. This sequence change creates a premature translational stop signal (p.Gly4112Valfs*8) in the KMT2D gene. It is expected to result in an absent or disrupted protein product. This variant is not present in population databases (ExAC no frequency). This variant has not been reported in the literature in individuals with KMT2D-related conditions. Loss-of-function variants in KMT2D are known to be pathogenic (PMID: 22126750).

Literature cited by the submitters: PubMed 22126750.

NM_003482.4(KMT2D):c.12335del (p.Gly4112fs)

Gene: KMT2D (lysine methyltransferase 2D; minus strand). Cytogenetic location: 12q13.12.
Variant type: Deletion.
Coding change: c.12335del on transcript NM_003482.4 (MANE Select); coding-DNA position 12335, one base deleted (G; older notation c.12335delG).
Protein change: p.Gly4112fs; shifts the reading frame from glycine 4112.
Molecular consequence: frameshift variant.
Genome position (GRCh38, 1-based): chr12:49,032,370, C deleted on the plus strand (G on the coding strand, the reverse complement: KMT2D is on the minus strand); the first of 2 consecutive C bases (chr12:49,032,370-49,032,371); deleting either gives the same sequence. VCF-style (leftmost placement, unchanged base first): chr12-49032369-AC-A. GRCh37 (hg19) VCF-style: chr12-49426152-AC-A.
Other names: short protein forms G4112fs.
Identifiers: ClinVar variation 948695 (VCV000948695.7), dbSNP rs1942962939, ClinGen allele CA1139662669.